The following is an entry in ClinVar:

NM_206933.4(USH2A):c.2391_2392del (p.Cys797_Asp798delinsTer)

Genes: USH2A (usherin; minus strand), LOC122152296 (Sharpr-MPRA regulatory region 8762; plus strand). Cytogenetic location: 1q41.
Variant type: Microsatellite.
Coding change: c.2391_2392del on transcript NM_206933.4 (MANE Select); coding-DNA positions 2391 to 2392, 2 bases deleted (TG; older notation c.2391_2392delTG).
Protein change: p.Cys797_Asp798delinsTer.
Molecular consequence: nonsense.
Genome position (GRCh38, 1-based): chr1:216,247,002-216,247,003, CA deleted on the plus strand (TG on the coding strand, the reverse complement: USH2A is on the minus strand); deleting any 2 consecutive bases within chr1:216,247,002-216,247,005 gives the same sequence; the c. name uses the placement nearest the transcript's 3' end. VCF-style (leftmost placement, unchanged base first): chr1-216247001-TCA-T. GRCh37 (hg19) VCF-style: chr1-216420343-TCA-T.
Other names: c.2391_2392del, p.Cys797_Asp798delinsTer (NM_007123.6).
Identifiers: ClinVar variation 949618 (VCV000949618.14), dbSNP rs2036063892, ClinGen allele CA1220619213.
Genomic context (GRCh38, chr1:216,247,001, plus strand): 5'-TTGCAGATGCACTGCCCTGTCTTAGCATTACAGACAGTCCCAGGGAGGGATCCAGCTGTG[TCA>T]CAGTCACAGGCCTTACAATTGGTGACATCTAACCCATAAAAGTTTTCTCTGCAGGTGTCA-3'

ClinVar aggregate classification (germline): Pathogenic. Review status: criteria provided, multiple submitters, no conflicts (2 of 4 stars). 5 submissions from 5 submitters: Pathogenic (5). Last evaluated 2026-06-01.

Conditions:
USH2A-related disorder. Also called: USH2A-related disorders; USH2A-related condition. Identifiers: MedGen CN239332.
Usher syndrome type 2A. Also called: RETINAL DISEASE IN USHER SYNDROME TYPE IIA, MODIFIER OF; USHER SYNDROME, TYPE IIA. Identifiers: Orphanet 231178, Orphanet 886, MedGen C1848634, MONDO:0010169, OMIM 276901.
Retinitis pigmentosa 39 (RP39). Identifiers: Orphanet 791, MedGen C3151138, MONDO:0013436, OMIM 613809.

Submissions (5):

Myriad Genetics, Inc.
Classification: Pathogenic for USH2A-related disorder. Last evaluated: 2026-06-01. Review status: criteria provided, single submitter. Criteria: Myriad Autosomal Dominant, Autosomal Recessive and X-Linked Classification Criteria (2023). Collection method: clinical testing. Allele origin: unknown.
Comment: NM_206933.2(USH2A):c.2391_2392delTG(C797*) is a nonsense variant classified as pathogenic in the context of USH2A-related disorders. C797* has been observed in cases with relevant disease (PMID: 24944099, 26927203). Relevant functional assessments of this variant are not available in the literature. C797* has not been observed in referenced population frequency databases. In summary, NM_206933.2(USH2A):c.2391_2392delTG(C797*) is a nonsense variant in a gene where loss of function is a known mechanism of disease, is predicted to disrupt protein function, and has been observed more frequently in cases with the relevant disease than in healthy populations. Please note: this variant was assessed in the context of healthy population screening.

Labcorp Genetics (formerly Invitae), Labcorp
Classification: Pathogenic. Last evaluated: 2025-02-03. Review status: criteria provided, single submitter. Criteria: Invitae Variant Classification Sherloc (09022015). Collection method: clinical testing. Allele origin: germline.
Comment: This sequence change creates a premature translational stop signal (p.Cys797*) in the USH2A gene. It is expected to result in an absent or disrupted protein product. Loss-of-function variants in USH2A are known to be pathogenic (PMID: 10729113, 10909849, 20507924, 25649381). This variant is not present in population databases (gnomAD no frequency). This premature translational stop signal has been observed in individuals with Usher syndrome (PMID: 24944099). ClinVar contains an entry for this variant (Variation ID: 949618). For these reasons, this variant has been classified as Pathogenic.

Genome-Nilou Lab
Classification: Pathogenic for Usher syndrome type 2A. Last evaluated: 2023-11-04. Review status: criteria provided, single submitter. Criteria: ACMG Guidelines, 2015. Collection method: clinical testing. Allele origin: germline. Affected: no.

Baylor Genetics
Classification: Pathogenic for Retinitis pigmentosa 39. Last evaluated: 2023-04-01. Review status: criteria provided, single submitter. Criteria: ACMG Guidelines, 2015. Collection method: clinical testing. Allele origin: unknown.

GeneDx
Classification: Pathogenic. Last evaluated: 2022-03-30. Review status: criteria provided, single submitter. Criteria: GeneDx Variant Classification Process June 2021. Collection method: clinical testing. Allele origin: germline. Affected: yes.
Comment: Nonsense variant predicted to result in protein truncation or nonsense mediated decay in a gene for which loss of function is a known mechanism of disease; Not observed at significant frequency in large population cohorts (gnomAD); Observed with an USH2A variant on the opposite allele in patients with Usher syndrome in published literature (Baux et al., 2014); This variant is associated with the following publications: (PMID: 24944099)

Literature cited by the submitters: PubMed 24944099 (cited by Myriad Genetics, Inc. and Labcorp Genetics (formerly Invitae), Labcorp); PubMed 26927203 (cited by Myriad Genetics, Inc.); PubMed 10729113 (cited by Labcorp Genetics (formerly Invitae), Labcorp); PubMed 10909849 (cited by Labcorp Genetics (formerly Invitae), Labcorp); PubMed 20507924 (cited by Labcorp Genetics (formerly Invitae), Labcorp); PubMed 25649381 (cited by Labcorp Genetics (formerly Invitae), Labcorp).